The following is an entry in ClinVar:

ClinVar aggregate classification (germline): Pathogenic (1 of 4 stars; one submission).

Conditions:
Gastrointestinal stromal tumor. Also called: Gastrointestinal stromal tumor, somatic; Gastrointestinal stroma tumor. Identifiers: Orphanet 44890, MedGen C0238198, MeSH D046152, MONDO:0011719, OMIM 606764, HP:0100723.

Submission:

Labcorp Genetics (formerly Invitae), Labcorp
Classification: Pathogenic for Gastrointestinal stromal tumor. Last evaluated: 2023-12-05. Review status: criteria provided, single submitter. Criteria: Invitae Variant Classification Sherloc (09022015). Collection method: clinical testing. Allele origin: germline.
Comment: This sequence change creates a premature translational stop signal (p.Glu225Lysfs*7) in the KIT gene. It is expected to result in an absent or disrupted protein product. Loss-of-function variants in KIT are known to be pathogenic (PMID: 15194144). This variant is not present in population databases (gnomAD no frequency). This variant has not been reported in the literature in individuals affected with KIT-related conditions. For these reasons, this variant has been classified as Pathogenic.

Literature cited by the submitters: PubMed 15194144.

NM_000222.3(KIT):c.673del (p.Glu225fs)

Gene: KIT (KIT proto-oncogene, receptor tyrosine kinase; plus strand). Cytogenetic location: 4q12.
Variant type: Deletion.
Coding change: c.673del on transcript NM_000222.3 (MANE Select); coding-DNA position 673, one base deleted (G; older notation c.673delG).
Protein change: p.Glu225fs; shifts the reading frame from glutamic acid 225.
Molecular consequence: frameshift variant.
Genome position (GRCh38, 1-based): chr4:54,699,683, G deleted; the last of 3 consecutive G bases (chr4:54,699,681-54,699,683); deleting any one gives the same sequence. VCF-style (leftmost placement, unchanged base first): chr4-54699680-AG-A. GRCh37 (hg19) VCF-style: chr4-55565846-AG-A.
Other names: c.673del, p.Glu225fs (NM_001093772.2, NM_001385284.1, NM_001385285.1 and 4 more transcripts); short protein forms E225fs.
Identifiers: ClinVar variation 2865541 (VCV002865541.3), dbSNP rs2475456853, ClinGen allele CA2739270074.